The following is an entry in ClinVar:

ClinVar aggregate classification (germline): Pathogenic (1 of 4 stars; one submission).

Conditions:
Bardet-Biedl syndrome (BBS). Identifiers: Orphanet 110, MedGen C0752166, MONDO:0015229.

Submission:

Labcorp Genetics (formerly Invitae), Labcorp
Classification: Pathogenic for Bardet-Biedl syndrome. Last evaluated: 2020-11-28. Review status: criteria provided, single submitter. Criteria: Invitae Variant Classification Sherloc (09022015). Collection method: clinical testing. Allele origin: germline.
Comment: For these reasons, this variant has been classified as Pathogenic. This variant has not been reported in the literature in individuals with WDPCP-related conditions. This variant is a gross deletion of the genomic region encompassing exon(s) 1-14 of the WDPCP gene, which includes the initiator codon. The 5' end of this event is unknown as it extends beyond the assayed region for this gene and therefore may encompass additional genes. The 3' boundary is likely confined to intron 14 of the WDPCP gene. It is expected to result in an absent or disrupted protein product. Loss-of-function variants in WDPCP are known to be pathogenic (PMID: 20671153, 25427950, 27158779).

Literature cited by the submitters: PubMed 20671153; PubMed 25427950; PubMed 27158779.

NC_000002.11:g.(?_63486422)_(63815425_?)del

Gene: WDPCP (WD repeat containing planar cell polarity effector; minus strand). Cytogenetic location: 2p15.
Variant type: Deletion.
Identifiers: ClinVar variation 1460446 (VCV001460446.4).